The following is an entry in ClinVar:

ClinVar aggregate classification (germline): Pathogenic/Likely pathogenic. Review status: criteria provided, multiple submitters, no conflicts (2 of 4 stars). 2 submissions from 2 submitters: Pathogenic (1); Likely pathogenic (1). Last evaluated 2025-12-14.

Conditions:
Hereditary spastic paraplegia 11. Also called: Nakamura Osame syndrome; Autosomal recessive hereditary spastic paraplegia, mental impairment, and thin corpus callosum; Spastic paraplegia, mental retardation and thin corpus callosum; SPASTIC PARAPLEGIA, AUTOSOMAL RECESSIVE, COMPLICATED, WITH THIN CORPUS CALLOSUM; SPASTIC PARAPLEGIA, AUTOSOMAL RECESSIVE, WITH MENTAL IMPAIRMENT AND THIN CORPUS CALLOSUM; Spastic Paraplegia 11. Identifiers: Orphanet 2822, MedGen C1858479, MONDO:0011445, OMIM 604360.
Inborn genetic diseases. Identifiers: MedGen C0950123, MeSH D030342.

Allele frequency attached by ClinVar (database versions not stated): gnomAD exomes below 0.00001.
gnomAD v4.1: 1 of 1,610,864 alleles (0.000062%); highest among the groups gnomAD compares: South Asian, 0.0011%; no homozygotes.

Submissions (2):

Labcorp Genetics (formerly Invitae), Labcorp
Classification: Pathogenic for Hereditary spastic paraplegia 11. Last evaluated: 2025-12-14. Review status: criteria provided, single submitter. Criteria: Invitae Variant Classification Sherloc (09022015). Collection method: clinical testing. Allele origin: germline.
Comment: This sequence change affects an acceptor splice site in intron 39 of the SPG11 gene. While this variant is not anticipated to result in nonsense mediated decay, it likely alters RNA splicing and results in a disrupted protein product. This variant is present in population databases (no rsID available, gnomAD 0.003%). Disruption of this splice site has been observed in individual(s) with clinical features of hereditary spastic paraplegia (PMID: 24833714; internal data). In at least one individual the data is consistent with being in trans (on the opposite chromosome) from a pathogenic variant. ClinVar contains an entry for this variant (Variation ID: 1757402). Variants that disrupt the consensus splice site are a relatively common cause of aberrant splicing (PMID: 17576681, 9536098). Algorithms developed to predict the effect of sequence changes on RNA splicing suggest that this variant may disrupt the consensus splice site. For these reasons, this variant has been classified as Pathogenic.

Ambry Genetics
Classification: Likely pathogenic for Inborn genetic diseases. Last evaluated: 2021-03-24. Review status: criteria provided, single submitter. Criteria: Ambry Variant Classification Scheme 2023. Collection method: clinical testing. Allele origin: germline.
Comment: The c.7152-2A>G intronic variant results from an A to G substitution two nucleotides upstream from coding exon 40 in the SPG11 gene. This alteration occurs at the 3' terminus of the SPG11 gene, is not expected to trigger nonsense-mediated mRNA decay, and only impacts the last 2.5% (60 amino acids) of the protein. The exact functional effect of this alteration is unknown; however, the impacted region is critical for protein function (Ambry internal data). This variant was found to be compound heterozygous with a nonsense variant in SPG11 in an individual from a hereditary spastic paraplegia cohort (Pensato V et al. Brain, 2014 Jul;137:1907-20). Another alteration impacting the same acceptor site (c.7152-1G>C) has been described in two individuals with Kjellin syndrome; one was homozygous, and the other was compound heterozygous with a nonsense variant in SPG11 on the other allele (Orl&eacute;n H et al. Am J Med Genet B Neuropsychiatr Genet, 2009 Oct;150B:984-92). For the c.7152-A>G variant, based on data from gnomAD, the G allele has an overall frequency of 0.0008% (2/251246) total alleles studied. The highest observed frequency was 0.0033% (1/30612) of South Asian alleles. This nucleotide position is highly conserved in available vertebrate species. In silico splice site analysis predicts that this alteration will weaken the native splice acceptor site and will result in the creation or strengthening of a novel splice acceptor site. Based on the majority of available evidence to date, this variant is likely to be pathogenic.

Literature cited by the submitters: PubMed 24833714 (cited by Labcorp Genetics (formerly Invitae), Labcorp and Ambry Genetics); PubMed 17576681 (cited by Labcorp Genetics (formerly Invitae), Labcorp); PubMed 9536098 (cited by Labcorp Genetics (formerly Invitae), Labcorp); PubMed 19194956 (cited by Ambry Genetics).

NM_025137.4(SPG11):c.7152-2A>G

Gene: SPG11 (SPG11 vesicle trafficking associated, spatacsin; minus strand). Cytogenetic location: 15q21.1.
Variant type: single nucleotide variant.
Coding change: c.7152-2A>G on transcript NM_025137.4 (MANE Select); the canonical splice acceptor site of the intron before coding-DNA position 7152, A replaced by G.
Molecular consequence: splice acceptor variant.
Genome position (GRCh38, 1-based): chr15:44,563,303, T>C on the plus strand (A>G on the coding strand, the complement: SPG11 is on the minus strand). VCF-style: chr15-44563303-T-C. GRCh37 (hg19) VCF-style: chr15-44855501-T-C.
Other names: c.7008-2A>G (NM_001411132.1); c.6813-2A>G (NM_001160227.2).
Identifiers: ClinVar variation 1757402 (VCV001757402.7), dbSNP rs1331584604, ClinGen allele CA392211955.